The following is an entry in ClinVar:

NM_005902.4(SMAD3):c.1005A>G (p.Pro335=)

Gene: SMAD3 (SMAD family member 3; plus strand). Cytogenetic location: 15q22.33.
Variant type: single nucleotide variant.
Coding change: c.1005A>G on transcript NM_005902.4 (MANE Select); coding-DNA position 1005, A replaced by G.
Protein change: p.Pro335=; no amino-acid change (proline 335 retained).
Molecular consequence: synonymous variant.
Genome position (GRCh38, 1-based): chr15:67,184,860, A>G. VCF-style: chr15-67184860-A-G. GRCh37 (hg19) VCF-style: chr15-67477198-A-G.
Other names: c.690A>G, p.Pro230= (NM_001145102.2); c.873A>G, p.Pro291= (NM_001145103.2); c.420A>G, p.Pro140= (NM_001145104.2).
Identifiers: ClinVar variation 745289 (VCV000745289.7), dbSNP rs34188464, ClinGen allele CA490916651.

ClinVar aggregate classification (germline): Likely benign. Review status: criteria provided, multiple submitters, no conflicts (2 of 4 stars). 2 submissions from 2 submitters: Likely benign (2). Last evaluated 2023-06-08.

Conditions:
Aneurysm-osteoarthritis syndrome. Also called: ANEURYSMS-OSTEOARTHRITIS SYNDROME; LOEYS-DIETZ SYNDROME WITH OSTEOARTHRITIS; Loeys-Dietz syndrome, type 1C; SMAD3-Related Loeys-Dietz Syndrome. Identifiers: Orphanet 284984, MedGen C3151087, MONDO:0013426, OMIM 613795.
Familial thoracic aortic aneurysm and aortic dissection (TAAD). Also called: Thoracic aortic aneurysms and dissections. Identifiers: Orphanet 91387, MedGen C4707243, MONDO:0019625.

Submissions (2):

All of Us Research Program, National Institutes of Health
Classification: Likely benign for Aneurysm-osteoarthritis syndrome. Last evaluated: 2023-06-08. Review status: criteria provided, single submitter. Criteria: ACMG Guidelines, 2015. Collection method: clinical testing. Allele origin: germline. Inheritance: Autosomal dominant inheritance. Observed: 1 variant allele, 1 heterozygote.
Comment: This study involves interpretation of variants in research participants for the purpose of population health screening. Participant phenotype was not available at the time of variant classification. Additional details can be found in publication PMID: 35346344, PMCID: PMC8962531

Labcorp Genetics (formerly Invitae), Labcorp
Classification: Likely benign for Familial thoracic aortic aneurysm and aortic dissection. Last evaluated: 2018-02-07. Review status: criteria provided, single submitter. Criteria: Invitae Variant Classification Sherloc (09022015). Collection method: clinical testing. Allele origin: germline.